The following is an entry in ClinVar:

NM_032802.4(SPPL2A):c.198T>G (p.Asn66Lys)

Gene: SPPL2A (signal peptide peptidase like 2A; minus strand). Cytogenetic location: 15q21.2.
Variant type: single nucleotide variant.
Coding change: c.198T>G on transcript NM_032802.4 (MANE Select); coding-DNA position 198, T replaced by G.
Protein change: p.Asn66Lys; replaces asparagine 66 with lysine.
Molecular consequence: missense variant.
Genome position (GRCh38, 1-based): chr15:50,748,850, A>C on the plus strand (T>G on the coding strand, the complement: SPPL2A is on the minus strand). VCF-style: chr15-50748850-A-C. GRCh37 (hg19) VCF-style: chr15-51041047-A-C.
Other names: short protein forms N66K.
Identifiers: ClinVar variation 1967765 (VCV001967765.5), dbSNP rs1337274092, ClinGen allele CA392415034.

ClinVar aggregate classification (germline): Uncertain significance (1 of 4 stars; one submission).

Allele frequency attached by ClinVar (database versions not stated): TOPMed below 0.00001.

Submission:

Labcorp Genetics (formerly Invitae), Labcorp
Classification: Uncertain significance. Last evaluated: 2021-12-24. Review status: criteria provided, single submitter. Criteria: Invitae Variant Classification Sherloc (09022015). Collection method: clinical testing. Allele origin: germline.
Comment: In summary, the available evidence is currently insufficient to determine the role of this variant in disease. Therefore, it has been classified as a Variant of Uncertain Significance. This sequence change replaces asparagine, which is neutral and polar, with lysine, which is basic and polar, at codon 66 of the SPPL2A protein (p.Asn66Lys). This variant is present in population databases (no rsID available, gnomAD 0.007%). This variant has not been reported in the literature in individuals affected with SPPL2A-related conditions. Algorithms developed to predict the effect of missense changes on protein structure and function are either unavailable or do not agree on the potential impact of this missense change (SIFT: "Tolerated"; PolyPhen-2: "Possibly Damaging"; Align-GVGD: "Class C0").